The following is an entry in ClinVar:

ClinVar aggregate classification (germline): Likely benign. Review status: criteria provided, multiple submitters, no conflicts (2 of 4 stars). 3 submissions from 3 submitters: Likely benign (2). 1 of the submissions does not count toward it. Last evaluated 2026-01-18.

Conditions:
SYNJ1-related disorder. Also called: SYNJ1-related condition.
Inborn genetic diseases. Identifiers: MedGen C0950123, MeSH D030342.
Developmental and epileptic encephalopathy, 53. Also called: Epileptic encephalopathy, early infantile, 53. Identifiers: MedGen C4479313, MONDO:0033362, OMIM 617389.
Early-onset Parkinson disease 20. Also called: PARKINSON DISEASE 20, AUTOSOMAL RECESSIVE EARLY-ONSET. Identifiers: Orphanet 391411, MedGen C3809824, MONDO:0014233, OMIM 615530.

Allele frequency attached by ClinVar (database versions not stated): gnomAD exomes 0.00009 and 0.00030; ExAC 0.00043; 1000 Genomes Project 30x 0.00094; 1000 Genomes Project 0.00100; gnomAD 0.00133 and 0.00139; TOPMed 0.00138; ESP Exome Variant Server 0.00146.

Submissions (3):

Labcorp Genetics (formerly Invitae), Labcorp
Classification: Likely benign for Developmental and epileptic encephalopathy, 53; Early-onset Parkinson disease 20. Last evaluated: 2026-01-18. Review status: criteria provided, single submitter. Criteria: Invitae Variant Classification Sherloc (09022015). Collection method: clinical testing. Allele origin: germline.

Ambry Genetics
Classification: Likely benign for Inborn genetic diseases. Last evaluated: 2022-02-10. Review status: criteria provided, single submitter. Criteria: Ambry Variant Classification Scheme 2023. Collection method: clinical testing. Allele origin: germline.

PreventionGenetics, part of Exact Sciences
Classification: Uncertain significance for SYNJ1-related condition. Last evaluated: 2024-09-09. Review status: no assertion criteria provided. Collection method: clinical testing. Allele origin: germline. Not counted in ClinVar's aggregate classification.
Comment: The SYNJ1 c.4252A>G variant is predicted to result in the amino acid substitution p.Ile1418Val. To our knowledge, this variant has not been reported in the literature. This variant is reported in 0.47% of alleles in individuals of African descent in gnomAD. Although we suspect that this variant may be benign, at this time, the clinical significance of this variant is uncertain due to the absence of conclusive functional and genetic evidence.

NM_203446.3(SYNJ1):c.*223A>G

Gene: SYNJ1 (synaptojanin 1; minus strand). Cytogenetic location: 21q22.11.
Variant type: single nucleotide variant.
Coding change: c.*223A>G on transcript NM_203446.3 (MANE Select); 223 bases downstream of the stop codon, A replaced by G.
Molecular consequence: 3 prime UTR variant. On other transcripts: missense variant (2).
Genome position (GRCh38, 1-based): chr21:32,631,582, T>C on the plus strand (A>G on the coding strand, the complement: SYNJ1 is on the minus strand). VCF-style: chr21-32631582-T-C. GRCh37 (hg19) VCF-style: chr21-34003892-T-C.
Other names: c.*223A>G (NM_001160302.2); c.3994A>G, p.Ile1332Val (NM_001160306.2); c.4252A>G, p.Ile1418Val (NM_003895.4); short protein forms I1418V, I1332V.
Identifiers: ClinVar variation 478354 (VCV000478354.14), dbSNP rs113978322, ClinGen allele CA10003154.
Genomic context (GRCh38, chr21:32,631,582, plus strand): 5'-CAGTAATAAATGGGTTTGGAGAACTTCGCATATTTTCCTGGGATTGACTCCGAGCTGGAA[T>C]TGGAGGCATTGTTGGCATGCAACTTACAGAACTCAAAACATTACTTTGCGTTGCAGAAGG-3'